The following is an entry in ClinVar:

ClinVar aggregate classification (germline): Uncertain significance. Review status: criteria provided, multiple submitters, no conflicts (2 of 4 stars). 2 submissions from 2 submitters: Uncertain significance (2). Last evaluated 2023-09-13.

Conditions:
Eichsfeld type congenital muscular dystrophy (CMYO3). Also called: Rigid spine muscular dystrophy 1; MYOPATHY, SEPN1-RELATED; SELENON-related myopathy; Congenital myopathy 3 with rigid spine. Identifiers: MedGen C0410180, MONDO:0100100, OMIM 602771.
Inborn genetic diseases. Identifiers: MedGen C0950123, MeSH D030342.

Allele frequency attached by ClinVar (database versions not stated): gnomAD 0.00001; TOPMed 0.00001.
gnomAD v4.1: 28 of 1,614,024 alleles (0.0017%); highest among the groups gnomAD compares: South Asian, 0.0033%; no homozygotes.

Submissions (2):

Ambry Genetics
Classification: Uncertain significance for Inborn genetic diseases. Last evaluated: 2023-09-13. Review status: criteria provided, single submitter. Criteria: Ambry Variant Classification Scheme 2023. Collection method: clinical testing. Allele origin: germline.

Labcorp Genetics (formerly Invitae), Labcorp
Classification: Uncertain significance for Eichsfeld type congenital muscular dystrophy. Last evaluated: 2022-08-01. Review status: criteria provided, single submitter. Criteria: Invitae Variant Classification Sherloc (09022015). Collection method: clinical testing. Allele origin: germline.
Comment: This variant has not been reported in the literature in individuals affected with SELENON-related conditions. This sequence change replaces threonine, which is neutral and polar, with methionine, which is neutral and non-polar, at codon 155 of the SELENON protein (p.Thr155Met). This variant is present in population databases (rs755808880, gnomAD 0.003%). Algorithms developed to predict the effect of missense changes on protein structure and function (SIFT, PolyPhen-2, Align-GVGD) all suggest that this variant is likely to be disruptive. In summary, the available evidence is currently insufficient to determine the role of this variant in disease. Therefore, it has been classified as a Variant of Uncertain Significance.

NM_206926.2(SELENON):c.362C>T (p.Thr121Met)

Gene: SELENON (selenoprotein N; plus strand). Cytogenetic location: 1p36.11.
Variant type: single nucleotide variant.
Coding change: c.362C>T on transcript NM_206926.2 (MANE Select); coding-DNA position 362, C replaced by T.
Protein change: p.Thr121Met; replaces threonine 121 with methionine.
Molecular consequence: missense variant.
Genome position (GRCh38, 1-based): chr1:25,805,202, C>T. VCF-style: chr1-25805202-C-T. GRCh37 (hg19) VCF-style: chr1-26131693-C-T.
Other names: c.464C>T (NM_020451.2); c.464C>T, p.Thr155Met (NM_020451.3); short protein forms T155M, T121M.
Identifiers: ClinVar variation 2039503 (VCV002039503.4), dbSNP rs755808880, ClinGen allele CA696510.
Genomic context (GRCh38, chr1:25,805,202, plus strand): 5'-GGTCAACTCCCGCGGCCAGCTGCGAGGAGGAGGAGTTGCCCCCTGACCCTAGCGAGGAGA[C>T]GCTCACCATAGAAGCCCGATTCCAGCCTCTGCTCCCGGAGACCATGACCAAGAGCAAAGA-3'
Protein context (NP_996809.1, residues 111-131): EELPPDPSEE[Thr121Met]LTIEARFQPL